The following is an entry in ClinVar:

ClinVar aggregate classification (germline): Uncertain significance (1 of 4 stars; one submission).

Conditions:
Progressive myoclonic epilepsy type 8. Identifiers: Orphanet 424027, MedGen C5190825, MONDO:0014545, OMIM 616230.

Allele frequency attached by ClinVar (database versions not stated): gnomAD exomes 0.00002 and 0.00007; TOPMed 0.00003; gnomAD 0.00004 and 0.00005; ExAC 0.00006; 1000 Genomes Project 30x 0.00016.
gnomAD v4.1: 34 of 1,608,568 alleles (0.0021%); highest among the groups gnomAD compares: East Asian, 0.047%; no homozygotes.

Submission:

Labcorp Genetics (formerly Invitae), Labcorp
Classification: Uncertain significance for Progressive myoclonic epilepsy type 8. Last evaluated: 2022-08-09. Review status: criteria provided, single submitter. Criteria: Invitae Variant Classification Sherloc (09022015). Collection method: clinical testing. Allele origin: germline.
Comment: This variant has not been reported in the literature in individuals affected with CERS1-related conditions. In summary, the available evidence is currently insufficient to determine the role of this variant in disease. Therefore, it has been classified as a Variant of Uncertain Significance. Algorithms developed to predict the effect of missense changes on protein structure and function output the following: SIFT: "Tolerated"; PolyPhen-2: "Benign"; Align-GVGD: "Class C0". The tryptophan amino acid residue is found in multiple mammalian species, which suggests that this missense change does not adversely affect protein function. ClinVar contains an entry for this variant (Variation ID: 1481840). This variant is present in population databases (rs202181919, gnomAD 0.1%). This sequence change replaces arginine, which is basic and polar, with tryptophan, which is neutral and slightly polar, at codon 88 of the CERS1 protein (p.Arg88Trp).

NM_021267.5(CERS1):c.262C>T (p.Arg88Trp)

Genes: CERS1 (ceramide synthase 1; minus strand), GDF1 (growth differentiation factor 1; minus strand). Cytogenetic location: 19p13.11.
Variant type: single nucleotide variant.
Coding change: c.262C>T on transcript NM_021267.5 (MANE Select); coding-DNA position 262, C replaced by T.
Protein change: p.Arg88Trp; replaces arginine 88 with tryptophan.
Molecular consequence: missense variant. On other transcripts: 5 prime UTR variant (7).
Genome position (GRCh38, 1-based): chr19:18,893,563, G>A on the plus strand (C>T on the coding strand, the complement: CERS1 is on the minus strand). VCF-style: chr19-18893563-G-A. GRCh37 (hg19) VCF-style: chr19-19004372-G-A.
Other names: c.-33C>T (NM_001290265.2, NM_001387442.1, NM_001387443.1 and 2 more transcripts); c.262C>T, p.Arg88Trp (NM_001387439.1, NM_001387440.1, NM_001387441.1 and 1 more transcripts); c.-641C>T (NM_001387438.1); c.-1061C>T (NM_001492.6); short protein forms R88W.
Identifiers: ClinVar variation 1481840 (VCV001481840.8), dbSNP rs202181919, ClinGen allele CA9318322.
Genomic context (GRCh38, chr19:18,893,563, plus strand): 5'-AGAGAAACTTCCAAGCGCTCTCGGGCATCTTGGCGGCATCTCTGGGCTGGAGGCAGCACC[G>A]CTTCGCCAGGGGCTATGGGGGAGAAGACAGGCGGGCAGCCATTGGTGCTGGGGGCCAGAG-3'
Protein context (NP_067090.1, residues 78-98): TARLFRPLAK[Arg88Trp]CCLQPRDAAK